The following is an entry in ClinVar:

ClinVar aggregate classification (germline): Benign. Review status: criteria provided, single submitter (1 of 4 stars). 2 submissions from 1 submitter: Benign (2). Last evaluated 2018-01-12.

Conditions:
Holoprosencephaly sequence (HPE). Also called: Holoprosencephaly. Identifiers: Orphanet 2162, MedGen C0079541, MONDO:0016296, HP:0001360.
Heterotaxy, visceral, 5, autosomal (HTX5). Also called: Heterotaxy, visceral, 5. Identifiers: Orphanet 450, MedGen C3495537, MONDO:0700112, OMIM 270100.

Allele frequency attached by ClinVar (database versions not stated): gnomAD below 0.00001 and 0.00016; TOPMed 0.00001; 1000 Genomes Project 30x 0.00047; 1000 Genomes Project 0.00060; gnomAD exomes 0.00078.

Submissions (2):

Illumina Laboratory Services, Illumina
Classification: Benign for Holoprosencephaly sequence. Last evaluated: 2018-01-12. Review status: criteria provided, single submitter. Criteria: ICSL Variant Classification Criteria 13 December 2019. Collection method: clinical testing. Allele origin: germline.
Comment: This variant was observed in the ICSL laboratory as part of a predisposition screen in an ostensibly healthy population. It had not been previously curated by ICSL or reported in the Human Gene Mutation Database (HGMD: prior to June 1st, 2018), and was therefore a candidate for classification through an automated scoring system. Utilizing variant allele frequency, disease prevalence and penetrance estimates, and inheritance mode, an automated score was calculated to assess if this variant is too frequent to cause the disease. Based on the score and internal cut-off values, a variant classified as benign is not then subjected to further curation. The score for this variant resulted in a classification of benign for this disease.

Illumina Laboratory Services, Illumina
Classification: Benign for Heterotaxy, visceral, 5, autosomal. Last evaluated: 2018-01-12. Review status: criteria provided, single submitter. Criteria: ICSL Variant Classification Criteria 13 December 2019. Collection method: clinical testing. Allele origin: germline.
Comment: the same text as in the submission from Illumina Laboratory Services, Illumina above.

NM_018055.5(NODAL):c.*356G>A

Gene: NODAL (nodal growth differentiation factor; minus strand). Cytogenetic location: 10q22.1.
Variant type: single nucleotide variant.
Coding change: c.*356G>A on transcript NM_018055.5 (MANE Select); 356 bases downstream of the stop codon, G replaced by A.
Molecular consequence: 3 prime UTR variant.
Genome position (GRCh38, 1-based): chr10:70,432,580, C>T on the plus strand (G>A on the coding strand, the complement: NODAL is on the minus strand). VCF-style: chr10-70432580-C-T. GRCh37 (hg19) VCF-style: chr10-72192336-C-T.
Other names: c.*356G>A (NM_001329906.2).
Identifiers: ClinVar variation 300296 (VCV000300296.5), dbSNP rs556853359, ClinGen allele CA10635590.